The following is an entry in ClinVar:

ClinVar aggregate classification (germline): Uncertain significance (1 of 4 stars; one submission).

gnomAD v4.1: 23 of 1,613,904 alleles (0.0014%); highest among the groups gnomAD compares: South Asian, 0.0022%; no homozygotes.

Submission:

Labcorp Genetics (formerly Invitae), Labcorp
Classification: Uncertain significance. Last evaluated: 2025-04-15. Review status: criteria provided, single submitter. Criteria: Invitae Variant Classification Sherloc (09022015). Collection method: clinical testing. Allele origin: germline.
Comment: This sequence change replaces proline, which is neutral and non-polar, with leucine, which is neutral and non-polar, at codon 1445 of the CCDC88C protein (p.Pro1445Leu). This variant is present in population databases (rs199836200, gnomAD 0.004%). This variant has not been reported in the literature in individuals affected with CCDC88C-related conditions. An algorithm developed to predict the effect of missense changes on protein structure and function (PolyPhen-2) suggests that this variant is likely to be disruptive. In summary, the available evidence is currently insufficient to determine the role of this variant in disease. Therefore, it has been classified as a Variant of Uncertain Significance.

NM_001080414.4(CCDC88C):c.4334C>T (p.Pro1445Leu)

Gene: CCDC88C (coiled-coil and HOOK domain protein 88C; minus strand). Cytogenetic location: 14q32.11.
Variant type: single nucleotide variant.
Coding change: c.4334C>T on transcript NM_001080414.4 (MANE Select); coding-DNA position 4334, C replaced by T.
Protein change: p.Pro1445Leu; replaces proline 1445 with leucine.
Molecular consequence: missense variant. On other transcripts: non-coding transcript variant (2).
Genome position (GRCh38, 1-based): chr14:91,289,212, G>A on the plus strand (C>T on the coding strand, the complement: CCDC88C is on the minus strand). VCF-style: chr14-91289212-G-A. GRCh37 (hg19) VCF-style: chr14-91755556-G-A.
Other names: short protein forms P1445L.
Identifiers: ClinVar variation 4742910 (VCV004742910.1).
Genomic context (GRCh38, chr14:91,289,212, plus strand): 5'-GAGCCCAGTGCGGGGGTGTCGGGGTTCTCGGCCTGTGATCTGAGCGGCTGAGAGGCCGCC[G>A]GCGAGGCGGGGTCTGAGGACTCCAGCTGCCAGGGAGGGCTGTCCACGGTGGATTTTAAGC-3'
Protein context (NP_001073883.2, residues 1435-1455): WQLESSDPAS[Pro1445Leu]AASQPLRSQA